The following is an entry in ClinVar:

NM_020041.3(SLC2A9):c.957C>T (p.Thr319=)

Gene: SLC2A9 (solute carrier family 2 member 9; minus strand). Cytogenetic location: 4p16.1.
Variant type: single nucleotide variant.
Coding change: c.957C>T on transcript NM_020041.3 (MANE Select); coding-DNA position 957, C replaced by T.
Protein change: p.Thr319=; no amino-acid change (threonine 319 retained).
Molecular consequence: synonymous variant.
Genome position (GRCh38, 1-based): chr4:9,920,430, G>A on the plus strand (C>T on the coding strand, the complement: SLC2A9 is on the minus strand). VCF-style: chr4-9920430-G-A. GRCh37 (hg19) VCF-style: chr4-9922054-G-A.
Other names: p.Thr319=; c.870C>T, p.Thr290= (NM_001001290.2).
Identifiers: ClinVar variation 350209 (VCV000350209.14), dbSNP rs770758004, ClinGen allele CA2857026.

ClinVar aggregate classification (germline): Benign/Likely benign. Review status: criteria provided, multiple submitters, no conflicts (2 of 4 stars). 3 submissions from 3 submitters: Benign (1); Likely benign (2). Last evaluated 2025-10-15.

Conditions:
Hypouricemia, renal, 2. Also called: HYPOURICEMIA, RENAL, 2, AUTOSOMAL DOMINANT; HYPOURICEMIA, RENAL, 2, AUTOSOMAL RECESSIVE. Identifiers: MedGen C2677549, MONDO:0012793, OMIM 612076.

Allele frequency attached by ClinVar (database versions not stated): gnomAD exomes 0.00002 and 0.00004; ExAC 0.00003; TOPMed 0.00004; gnomAD 0.00005.
gnomAD v4.1: 39 of 1,614,020 alleles (0.0024%); highest among the groups gnomAD compares: East Asian, 0.029%; no homozygotes.

Submissions (3):

Mayo Clinic Laboratories, Mayo Clinic
Classification: Likely benign. Last evaluated: 2025-10-15. Review status: criteria provided, single submitter. Criteria: ACMG Guidelines, 2015. Collection method: clinical testing. Allele origin: germline. Observed: 1 variant allele.
Comment: BP4, BP7

Labcorp Genetics (formerly Invitae), Labcorp
Classification: Likely benign. Last evaluated: 2025-06-12. Review status: criteria provided, single submitter. Criteria: Invitae Variant Classification Sherloc (09022015). Collection method: clinical testing. Allele origin: germline.

Illumina Laboratory Services, Illumina
Classification: Benign for Hypouricemia, renal, 2. Last evaluated: 2018-01-12. Review status: criteria provided, single submitter. Criteria: ICSL Variant Classification Criteria 13 December 2019. Collection method: clinical testing. Allele origin: germline.
Comment: This variant was observed in the ICSL laboratory as part of a predisposition screen in an ostensibly healthy population. It had not been previously curated by ICSL or reported in the Human Gene Mutation Database (HGMD: prior to June 1st, 2018), and was therefore a candidate for classification through an automated scoring system. Utilizing variant allele frequency, disease prevalence and penetrance estimates, and inheritance mode, an automated score was calculated to assess if this variant is too frequent to cause the disease. Based on the score and internal cut-off values, a variant classified as benign is not then subjected to further curation. The score for this variant resulted in a classification of benign for this disease.